The following is an entry in ClinVar:

ClinVar aggregate classification (germline): Uncertain significance. Review status: criteria provided, multiple submitters, no conflicts (2 of 4 stars). 2 submissions from 2 submitters: Uncertain significance (2). Last evaluated 2022-06-15.

Submissions (2):

Ambry Genetics
Classification: Uncertain significance. Last evaluated: 2022-06-15. Review status: criteria provided, single submitter. Criteria: Ambry Variant Classification Scheme 2023. Collection method: clinical testing. Allele origin: germline.
Comment: The c.23_51dup29 variant, located in coding exon 1 of the GALNT12 gene, results from a duplication of 29 nucleotides at nucleotide positions 23 to 51, causing a translational frameshift with a predicted alternate stop codon (p.R18Gfs*135). This alteration is expected to result in premature protein truncation or nonsense-mediated mRNA decay. However, the evidence for this gene-disease relationship is limited; therefore, the clinical significance of this alteration is unclear.

Labcorp Genetics (formerly Invitae), Labcorp
Classification: Uncertain significance. Last evaluated: 2019-08-06. Review status: criteria provided, single submitter. Criteria: Invitae Variant Classification Sherloc (09022015). Collection method: clinical testing. Allele origin: germline.
Comment: This sequence change creates a premature translational stop signal (p.Arg18Glyfs*135) in the GALNT12 gene. It is expected to result in an absent or disrupted protein product. In summary, the available evidence is currently insufficient to determine the role of this variant in disease. Therefore, it has been classified as a Variant of Uncertain Significance. The current clinical and genetic evidence is not sufficient to establish whether loss-of-function variants in GALNT12 cause disease. This variant has not been reported in the literature in individuals with GALNT12-related conditions. The frequency data for this variant in the population databases is considered unreliable, as metrics indicate insufficient coverage at this position in the ExAC database.

NM_024642.5(GALNT12):c.23_51dup (p.Arg18fs)

Gene: GALNT12 (polypeptide N-acetylgalactosaminyltransferase 12; plus strand). Cytogenetic location: 9q22.33.
Variant type: Duplication.
Coding change: c.23_51dup on transcript NM_024642.5 (MANE Select); coding-DNA positions 23 to 51, 29 bases duplicated (GGCGCTGCCCGCGGGAACTGCGGCGCGGC).
Protein change: p.Arg18fs; shifts the reading frame from arginine 18.
Molecular consequence: frameshift variant.
Genome position (GRCh38, 1-based): chr9:98,807,721-98,807,749, GGCGCTGCCCGCGGGAACTGCGGCGCGGC duplicated; duplicating any 29 consecutive bases within chr9:98,807,712-98,807,749 gives the same sequence; the c. name uses the placement nearest the transcript's 3' end. VCF-style (leftmost placement, unchanged base first): chr9-98807711-A-ACGGCGCGGCGGCGCTGCCCGCGGGAACTG. GRCh37 (hg19) VCF-style: chr9-101569993-A-ACGGCGCGGCGGCGCTGCCCGCGGGAACTG.
Other names: c.23_51dupGGCGCTGCCCGCGGGAACTGCGGCGCGGC (NM_024642.4); short protein forms R18fs.
Identifiers: ClinVar variation 857605 (VCV000857605.10), dbSNP rs1355510080, ClinGen allele CA869113748.